The following is an entry in ClinVar:

ClinVar aggregate classification (germline): Benign/Likely benign. Review status: criteria provided, multiple submitters, no conflicts (2 of 4 stars). 3 submissions from 3 submitters: Benign (1); Likely benign (1). 1 of the submissions does not count toward it. Last evaluated 2026-06-27.

Conditions:
TCIRG1-related disorder. Also called: TCIRG1-related condition.
Autosomal recessive osteopetrosis 1. Also called: TCIRG1-Related Osteopetrosis; TCIRG1-Related Autosomal Recessive Osteopetrosis; ALBERS-SCHONBERG DISEASE, AUTOSOMAL RECESSIVE. Identifiers: Orphanet 667, MedGen C1850127, MONDO:0009815, OMIM 259700.

Allele frequency attached by ClinVar (database versions not stated): gnomAD 0.00011; TOPMed 0.00012; ESP Exome Variant Server 0.00015.
gnomAD v4.1: 114 of 1,613,386 alleles (0.0071%); highest among the groups gnomAD compares: South Asian, 0.034%; 1 homozygote.

Submissions (3):

PreventionGenetics, part of Exact Sciences
Classification: Likely benign for TCIRG1-related condition. Last evaluated: 2026-06-27. Review status: criteria provided, single submitter. Criteria: ACMG Guidelines, 2015. Collection method: clinical testing. Allele origin: germline.
Comment: This variant is classified as likely benign based on ACMG/AMP sequence variant interpretation guidelines (Richards et al. 2015 PMID: 25741868, with internal and published modifications).

Labcorp Genetics (formerly Invitae), Labcorp
Classification: Benign. Last evaluated: 2026-01-26. Review status: criteria provided, single submitter. Criteria: Invitae Variant Classification Sherloc (09022015). Collection method: clinical testing. Allele origin: germline.

Natera, Inc.
Classification: Uncertain significance for Infantile malignant osteopetrosis. Last evaluated: 2020-04-16. Review status: no assertion criteria provided. Collection method: clinical testing. Allele origin: germline. Not counted in ClinVar's aggregate classification.

NM_006019.4(TCIRG1):c.1464-5C>T

Gene: TCIRG1 (T cell immune regulator 1, ATPase H+ transporting V0 subunit a3; plus strand). Cytogenetic location: 11q13.2.
Variant type: single nucleotide variant.
Coding change: c.1464-5C>T on transcript NM_006019.4 (MANE Select); 5 bases into the intron before coding-DNA position 1464, C replaced by T.
Molecular consequence: intron variant.
Genome position (GRCh38, 1-based): chr11:68,047,877, C>T. VCF-style: chr11-68047877-C-T. GRCh37 (hg19) VCF-style: chr11-67815344-C-T.
Other names: c.570-5C>T (NM_001351059.2); c.816-5C>T (NM_006053.4); c.1464-5C>T (NM_006019.3).
Identifiers: ClinVar variation 991172 (VCV000991172.10), dbSNP rs372813575, ClinGen allele CA6147133.